The following is an entry in ClinVar:

NM_001113491.2(SEPTIN9):c.1722C>T (p.Asn574=)

Gene: SEPTIN9 (septin 9; plus strand). Cytogenetic location: 17q25.3.
Variant type: single nucleotide variant.
Coding change: c.1722C>T on transcript NM_001113491.2 (MANE Select); coding-DNA position 1722, C replaced by T.
Protein change: p.Asn574=; no amino-acid change (asparagine 574 retained).
Molecular consequence: synonymous variant.
Genome position (GRCh38, 1-based): chr17:77,498,619, C>T. VCF-style: chr17-77498619-C-T. GRCh37 (hg19) VCF-style: chr17-75494701-C-T.
Other names: c.1230C>T, p.Asn410= (NM_001113492.2, NM_001113494.1); c.1701C>T, p.Asn567= (NM_001113493.2); c.969C>T, p.Asn323= (NM_001113495.2, NM_001113496.2, NM_001293697.2 and 1 more transcripts); c.1665C>T, p.Asn555= (NM_001293695.2); c.1050C>T, p.Asn350= (NM_001293696.2); c.1668C>T, p.Asn556= (NM_006640.5).
Identifiers: ClinVar variation 1682682 (VCV001682682.10), dbSNP rs111522601, ClinGen allele CA8793921.

ClinVar aggregate classification (germline): Benign/Likely benign. Review status: criteria provided, multiple submitters, no conflicts (2 of 4 stars). 4 submissions from 4 submitters: Benign (3); Likely benign (1). Last evaluated 2026-05-29.

Allele frequency attached by ClinVar (database versions not stated): ExAC 0.00007; ESP Exome Variant Server 0.00008; gnomAD exomes 0.00009; TOPMed 0.00028; gnomAD 0.00033 and 0.00034.
gnomAD v4.1: 190 of 1,610,480 alleles (0.012%); highest among the groups gnomAD compares: African/African-American, 0.16%; 3 homozygotes.

Submissions (4):

Women's Health and Genetics/Laboratory Corporation of America, LabCorp
Classification: Benign. Last evaluated: 2026-05-29. Review status: criteria provided, single submitter. Criteria: LabCorp Variant Classification Summary - May 2015. Collection method: clinical testing. Allele origin: germline.
Comment: Variant summary: SEPTIN9 c.1668C>T alters a conserved nucleotide resulting in a synonymous change. Consensus agreement among computation tools predict no significant impact on normal splicing. However, these predictions have yet to be confirmed by functional studies. The variant allele was found at a frequency of 0.00013 in 274810 control chromosomes, predominantly at a frequency of 0.00013 within the African or African-American subpopulation in the gnomAD database, including 1 homozygote. The available data on variant occurrences in the general population are insufficient to allow any conclusion about variant significance. To our knowledge, no occurrence of c.1668C>T in individuals affected with SEPTIN9-related conditions and no experimental evidence demonstrating its impact on protein function have been reported. ClinVar contains an entry for this variant (Variation ID: 1682682). Based on the evidence outlined above, the variant was classified as benign.

Labcorp Genetics (formerly Invitae), Labcorp
Classification: Benign. Last evaluated: 2026-01-27. Review status: criteria provided, single submitter. Criteria: Invitae Variant Classification Sherloc (09022015). Collection method: clinical testing. Allele origin: germline.

Blueprint Genetics
Classification: Likely benign. Last evaluated: 2024-11-26. Review status: criteria provided, single submitter. Criteria: ACMG Guidelines, 2015. Collection method: clinical testing. Allele origin: germline.

Breakthrough Genomics
Classification: Benign. Review status: criteria provided, single submitter. Criteria: ACMG Guidelines, 2015. Collection method: not provided. Allele origin: germline. Inheritance: Autosomal dominant inheritance. Affected: yes.